The following is an entry in ClinVar:

ClinVar aggregate classification (germline): Uncertain significance. Review status: criteria provided, multiple submitters, no conflicts (2 of 4 stars). 5 submissions from 5 submitters: Uncertain significance (4). 1 of the submissions does not count toward it. Last evaluated 2022-09-07.

Conditions:
DHCR7-related disorder. Also called: DHCR7-related condition.
Smith-Lemli-Opitz syndrome (SLOS). Also called: LETHAL ACRODYSGENITAL SYNDROME; POLYDACTYLY, SEX REVERSAL, RENAL HYPOPLASIA, AND UNILOBAR LUNG; RSH SYNDROME; RUTLEDGE LETHAL MULTIPLE CONGENITAL ANOMALY SYNDROME; 7-Dehydrocholesterol reductase deficiency. Identifiers: Orphanet 818, MedGen C0175694, MONDO:0010035, OMIM 270400.

Allele frequency attached by ClinVar (database versions not stated): gnomAD 0.00004; TOPMed 0.00005.
gnomAD v4.1: 64 of 1,613,556 alleles (0.004%); highest among the groups gnomAD compares: Admixed American, 0.025%; no homozygotes.

Submissions (5):

Labcorp Genetics (formerly Invitae), Labcorp
Classification: Uncertain significance for Smith-Lemli-Opitz syndrome. Last evaluated: 2022-09-07. Review status: criteria provided, single submitter. Criteria: Invitae Variant Classification Sherloc (09022015). Collection method: clinical testing. Allele origin: germline.
Comment: This sequence change replaces arginine, which is basic and polar, with tryptophan, which is neutral and slightly polar, at codon 81 of the DHCR7 protein (p.Arg81Trp). This variant is present in population databases (rs775735710, gnomAD 0.03%). This variant has not been reported in the literature in individuals affected with DHCR7-related conditions. ClinVar contains an entry for this variant (Variation ID: 305959). Advanced modeling of protein sequence and biophysical properties (such as structural, functional, and spatial information, amino acid conservation, physicochemical variation, residue mobility, and thermodynamic stability) performed at Invitae indicates that this missense variant is not expected to disrupt DHCR7 protein function. In summary, the available evidence is currently insufficient to determine the role of this variant in disease. Therefore, it has been classified as a Variant of Uncertain Significance.

Knight Diagnostic Laboratories, Oregon Health and Sciences University
Classification: Uncertain significance for Smith-Lemli-Opitz syndrome. Last evaluated: 2019-07-08. Review status: criteria provided, single submitter. Criteria: ACMG Guidelines, 2015. Collection method: clinical testing. Allele origin: germline. Observed: 1 variant allele.

Illumina Laboratory Services, Illumina
Classification: Uncertain significance for Smith-Lemli-Opitz syndrome. Last evaluated: 2018-01-13. Review status: criteria provided, single submitter. Criteria: ICSL Variant Classification Criteria 13 December 2019. Collection method: clinical testing. Allele origin: germline.

Eurofins Ntd Llc (ga)
Classification: Uncertain significance. Last evaluated: 2017-12-07. Review status: criteria provided, single submitter. Criteria: EGL Classification Definitions 2015. Collection method: clinical testing. Allele origin: germline. Observed: 1 variant allele, 1 heterozygote.

PreventionGenetics, part of Exact Sciences
Classification: Uncertain significance for DHCR7-related condition. Last evaluated: 2024-01-29. Review status: no assertion criteria provided. Collection method: clinical testing. Allele origin: germline. Not counted in ClinVar's aggregate classification.
Comment: The DHCR7 c.241C>T variant is predicted to result in the amino acid substitution p.Arg81Trp. To our knowledge, this variant has not been reported in the literature. This variant is reported in 0.034% of alleles in individuals of Latino descent in gnomAD. At this time, the clinical significance of this variant is uncertain due to the absence of conclusive functional and genetic evidence.

NM_001360.3(DHCR7):c.241C>T (p.Arg81Trp)

Gene: DHCR7 (7-dehydrocholesterol reductase; minus strand). Cytogenetic location: 11q13.4.
Variant type: single nucleotide variant.
Coding change: c.241C>T on transcript NM_001360.3 (MANE Select); coding-DNA position 241, C replaced by T.
Protein change: p.Arg81Trp; replaces arginine 81 with tryptophan.
Molecular consequence: missense variant.
Genome position (GRCh38, 1-based): chr11:71,444,073, G>A on the plus strand (C>T on the coding strand, the complement: DHCR7 is on the minus strand). VCF-style: chr11-71444073-G-A. GRCh37 (hg19) VCF-style: chr11-71155119-G-A.
Other names: c.241C>T, p.Arg81Trp (NM_001163817.2); short protein forms R81W.
Identifiers: ClinVar variation 305959 (VCV000305959.13), dbSNP rs775735710, ClinGen allele CA6162656.